The following is an entry in ClinVar:

ClinVar aggregate classification (germline): Uncertain significance (1 of 4 stars; one submission).

Conditions:
Inborn genetic diseases. Identifiers: MedGen C0950123, MeSH D030342.

Submission:

Ambry Genetics
Classification: Uncertain significance for Inborn genetic diseases. Last evaluated: 2025-05-27. Review status: criteria provided, single submitter. Criteria: Ambry Variant Classification Scheme 2023. Collection method: clinical testing. Allele origin: germline.
Comment: The p.T450R variant (also known as c.1349C>G), located in coding exon 8 of the ERCC6L2 gene, results from a C to G substitution at nucleotide position 1349. The threonine at codon 450 is replaced by arginine, an amino acid with similar properties. This amino acid position is conserved. In addition, the in silico prediction for this alteration is inconclusive. Based on the available evidence, the clinical significance of this variant remains unclear.

NM_020207.7(ERCC6L2):c.1349C>G (p.Thr450Arg)

Gene: ERCC6L2 (ERCC excision repair 6 like 2; plus strand). Cytogenetic location: 9q22.32.
Variant type: single nucleotide variant.
Coding change: c.1349C>G on transcript NM_020207.7 (MANE Select); coding-DNA position 1349, C replaced by G.
Protein change: p.Thr450Arg; replaces threonine 450 with arginine.
Molecular consequence: missense variant. On other transcripts: non-coding transcript variant (1).
Genome position (GRCh38, 1-based): chr9:95,922,354, C>G. VCF-style: chr9-95922354-C-G. GRCh37 (hg19) VCF-style: chr9-98684636-C-G.
Other names: c.1349C>G, p.Thr450Arg (NM_001010895.4, NM_001375291.1, NM_001375292.1 and 2 more transcripts); short protein forms T450R.
Identifiers: ClinVar variation 4019385 (VCV004019385.1).